The following is an entry in ClinVar:

ClinVar aggregate classification (germline): Uncertain significance (1 of 4 stars; one submission).

Allele frequency attached by ClinVar (database versions not stated): gnomAD exomes below 0.00001 and 0.00001; ExAC 0.00002.
gnomAD v4.1: 4 of 1,588,018 alleles (0.00025%); highest among the groups gnomAD compares: East Asian, 0.009%; no homozygotes.

Submission:

Labcorp Genetics (formerly Invitae), Labcorp
Classification: Uncertain significance. Last evaluated: 2024-02-24. Review status: criteria provided, single submitter. Criteria: Invitae Variant Classification Sherloc (09022015). Collection method: clinical testing. Allele origin: germline.
Comment: This sequence change falls in intron 5 of the PEX3 gene. It does not directly change the encoded amino acid sequence of the PEX3 protein. This variant is present in population databases (rs780566467, gnomAD 0.02%). This variant has not been reported in the literature in individuals affected with PEX3-related conditions. ClinVar contains an entry for this variant (Variation ID: 1355529). Algorithms developed to predict the effect of sequence changes on RNA splicing suggest that this variant may create or strengthen a splice site. In summary, the available evidence is currently insufficient to determine the role of this variant in disease. Therefore, it has been classified as a Variant of Uncertain Significance.

NM_003630.3(PEX3):c.457-8T>A

Gene: PEX3 (peroxisomal biogenesis factor 3; plus strand). Cytogenetic location: 6q24.2.
Variant type: single nucleotide variant.
Coding change: c.457-8T>A on transcript NM_003630.3 (MANE Select); 8 bases into the intron before coding-DNA position 457, T replaced by A.
Molecular consequence: intron variant.
Genome position (GRCh38, 1-based): chr6:143,471,375, T>A. VCF-style: chr6-143471375-T-A. GRCh37 (hg19) VCF-style: chr6-143792512-T-A.
Identifiers: ClinVar variation 1355529 (VCV001355529.5), dbSNP rs780566467, ClinGen allele CA4029588.
Genomic context (GRCh38, chr6:143,471,375, plus strand): 5'-TATTGAAAACATTTCTTATTTACCAGTTTAAAACTTGGATAATTGAACTGTATTTCTGTT[T>A]TATACAGACAATTCTTGCTCCCCCAGATGTCCAACAGCAGTATTTATCAAGTATTCAGCA-3'